The following is an entry in ClinVar:

NM_003238.6(TGFB2):c.724A>G (p.Lys242Glu)

Gene: TGFB2 (transforming growth factor beta 2; plus strand). Cytogenetic location: 1q41.
Variant type: single nucleotide variant.
Coding change: c.724A>G on transcript NM_003238.6 (MANE Select); coding-DNA position 724, A replaced by G.
Protein change: p.Lys242Glu; replaces lysine 242 with glutamic acid.
Molecular consequence: missense variant. On other transcripts: non-coding transcript variant (2).
Genome position (GRCh38, 1-based): chr1:218,434,418, A>G. VCF-style: chr1-218434418-A-G. GRCh37 (hg19) VCF-style: chr1-218607760-A-G.
Other names: c.808A>G, p.Lys270Glu (NM_001135599.4); short protein forms K242E, K270E.
Identifiers: ClinVar variation 3373722 (VCV003373722.1).

ClinVar aggregate classification (germline): Uncertain significance (1 of 4 stars; one submission).

Submission:

GeneDx
Classification: Uncertain significance. Last evaluated: 2024-03-05. Review status: criteria provided, single submitter. Criteria: GeneDx Variant Classification Process June 2021. Collection method: clinical testing. Allele origin: germline. Affected: yes.
Comment: Not observed at significant frequency in large population cohorts (gnomAD); In silico analysis supports that this missense variant does not alter protein structure/function; Has not been previously published as pathogenic or benign to our knowledge